The following is an entry in ClinVar:

NM_017837.4(PIGV):c.420G>A (p.Leu140=)

Gene: PIGV (phosphatidylinositol glycan anchor biosynthesis class V; plus strand). Cytogenetic location: 1p36.11.
Variant type: single nucleotide variant.
Coding change: c.420G>A on transcript NM_017837.4 (MANE Select); coding-DNA position 420, G replaced by A.
Protein change: p.Leu140=; no amino-acid change (leucine 140 retained).
Molecular consequence: synonymous variant. On other transcripts: non-coding transcript variant (1), intron variant (3).
Genome position (GRCh38, 1-based): chr1:26,794,454, G>A. VCF-style: chr1-26794454-G-A. GRCh37 (hg19) VCF-style: chr1-27120945-G-A.
Other names: c.420G>A, p.Leu140= (NM_001202554.2, NM_001374478.1, NM_001374480.1 and 2 more transcripts); c.39G>A, p.Leu13= (NM_001374483.1); c.172+248G>A (NM_001374484.1, NM_001374485.1); c.79-3109G>A (NM_001374486.1).
Identifiers: ClinVar variation 3342190 (VCV003342190.16).

ClinVar aggregate classification (germline): Likely benign (1 of 4 stars; one submission).

gnomAD v4.1: 1 of 1,614,214 alleles (0.000062%); highest among the groups gnomAD compares: African/African-American, 0.0013%; no homozygotes.

Submission:

CeGaT Center for Human Genetics Tuebingen
Classification: Likely benign. Last evaluated: 2024-08-01. Review status: criteria provided, single submitter. Criteria: CeGaT Center For Human Genetics Tuebingen Variant Classification Criteria Version 2. Collection method: clinical testing. Allele origin: germline. Affected: yes. Observed: 1 variant allele.
Comment: PIGV: BP4, BP7